The following is an entry in ClinVar:

ClinVar aggregate classification (germline): Likely benign. Review status: criteria provided, multiple submitters, no conflicts (2 of 4 stars). 2 submissions from 2 submitters: Likely benign (2). Last evaluated 2025-05-01.

gnomAD v4.1: 631 of 1,591,280 alleles (0.04%); highest among the groups gnomAD compares: South Asian, 0.67%; 9 homozygotes.

Submissions (2):

CeGaT Center for Human Genetics Tuebingen
Classification: Likely benign. Last evaluated: 2025-05-01. Review status: criteria provided, single submitter. Criteria: CeGaT Center For Human Genetics Tuebingen Variant Classification Criteria Version 2. Collection method: clinical testing. Allele origin: germline. Affected: yes. Observed: 1 variant allele.
Comment: ZBTB7A: BP4, BP7

Blueprint Genetics
Classification: Likely benign. Last evaluated: 2024-11-28. Review status: criteria provided, single submitter. Criteria: ACMG Guidelines, 2015. Collection method: clinical testing. Allele origin: germline.

NM_015898.4(ZBTB7A):c.1281G>A (p.Val427=)

Gene: ZBTB7A (zinc finger and BTB domain containing 7A; minus strand). Cytogenetic location: 19p13.3.
Variant type: single nucleotide variant.
Coding change: c.1281G>A on transcript NM_015898.4 (MANE Select); coding-DNA position 1281, G replaced by A.
Protein change: p.Val427=; no amino-acid change (valine 427 retained).
Molecular consequence: synonymous variant.
Genome position (GRCh38, 1-based): chr19:4,048,226, C>T on the plus strand (G>A on the coding strand, the complement: ZBTB7A is on the minus strand). VCF-style: chr19-4048226-C-T. GRCh37 (hg19) VCF-style: chr19-4048224-C-T.
Other names: c.1281G>A, p.Val427= (NM_001317990.2).
Identifiers: ClinVar variation 3905289 (VCV003905289.11).
Genomic context (GRCh38, chr19:4,048,226, plus strand): 5'-AAAGGCGGCGCCGCACTGCTGGCACAGGTACGGCTTCTCGCCCGTGTGCTTCCGCATGTG[C>T]ACCTTCAGCTTGTCCTGCCTGTGGACGGGGCACGGGGCGGGCACGGTCAGTGGGGCCGGG-3'
Protein context (NP_056982.1, residues 417-437): VRFTRQDKLK[Val427=]HMRKHTGEKP